The following is an entry in ClinVar:

ClinVar aggregate classification (germline): Pathogenic (1 of 4 stars; one submission).

gnomAD v4.1: 1 of 1,613,930 alleles (0.000062%); no homozygotes.

Submission:

CeGaT Center for Human Genetics Tuebingen
Classification: Pathogenic. Last evaluated: 2026-06-01. Review status: criteria provided, single submitter. Criteria: CeGaT Center For Human Genetics Tuebingen Variant Classification Criteria Version 2. Collection method: clinical testing. Allele origin: germline. Affected: yes. Observed: 2 variant alleles.
Comment: RAB3GAP1: PVS1, PM2, PM3

NM_012233.3(RAB3GAP1):c.1725G>A (p.Trp575Ter)

Gene: RAB3GAP1 (RAB3 GTPase activating protein catalytic subunit 1; plus strand). Cytogenetic location: 2q21.3.
Variant type: single nucleotide variant.
Coding change: c.1725G>A on transcript NM_012233.3 (MANE Select); coding-DNA position 1725, G replaced by A.
Protein change: p.Trp575Ter; replaces tryptophan 575 with a stop codon.
Molecular consequence: nonsense.
Genome position (GRCh38, 1-based): chr2:135,135,734, G>A. VCF-style: chr2-135135734-G-A. GRCh37 (hg19) VCF-style: chr2-135893304-G-A.
Other names: c.1725G>A, p.Trp575Ter (NM_001172435.2); short protein forms W575*.
Identifiers: ClinVar variation 4873605 (VCV004873605.2).